The following continues an entry in ClinVar:

NM_001005242.3(PKP2):c.505A>G (p.Ser169Gly)

Gene: PKP2. ClinVar aggregate classification (germline): Conflicting classifications of pathogenicity. Uncertain significance (4); Benign (2); Likely benign (15).

Submissions 19 to 24 of 24:

CSER _CC_NCGL, University of Washington
Classification: Uncertain significance for Arrhythmogenic right ventricular cardiomyopathy. Last evaluated: 2014-06-01. Review status: criteria provided, single submitter. Criteria: Amendola et al. (Genome Res. 2015). Collection method: research. Allele origin: germline. Inheritance: Autosomal dominant inheritance. Study: ESP 6500 variant annotation.
Comment: Low GERP score may suggest that this variant may belong in a lower pathogenicity class

Variants classified for the Actionable exomic incidental findings in 6503 participants: challenges of variant classification manuscript

Biesecker Lab/Clinical Genomics Section, National Institutes of Health
Classification: Likely benign. Last evaluated: 2013-06-24. Review status: criteria provided, single submitter. Criteria: Ng et al. (Circ Cardiovasc Genet. 2013). Collection method: research. Allele origin: unknown. Observed: 1 variant allele. Study: ClinSeq.
Comment: The study set was not selected for affection status in relation to any cancer. Pathogenicity categories were based on literature curation. See Pubmed ID:23861362 for details.

Medical sequencing

Molecular Diagnostic Laboratory for Inherited Cardiovascular Disease, Montreal Heart Institute
Classification: Likely benign. Review status: criteria provided, single submitter. Criteria: ACMG Guidelines, 2015. Collection method: clinical testing. Allele origin: germline. Affected: yes.

PreventionGenetics, part of Exact Sciences
Classification: Likely benign for PKP2-related condition. Last evaluated: 2021-01-25. Review status: no assertion criteria provided. Collection method: clinical testing. Allele origin: germline. Not counted in ClinVar's aggregate classification.
Comment: This variant is classified as likely benign based on ACMG/AMP sequence variant interpretation guidelines (Richards et al. 2015 PMID: 25741868, with internal and published modifications).

Clinical Genetics, Academic Medical Center
Classification: Benign. Review status: no assertion criteria provided. Collection method: clinical testing. Allele origin: germline. Affected: yes. Study: VKGL Data-share Consensus. Not counted in ClinVar's aggregate classification.

Joint Genome Diagnostic Labs from Nijmegen and Maastricht, Radboudumc and MUMC+
Classification: Likely benign. Review status: no assertion criteria provided. Collection method: clinical testing. Allele origin: germline. Affected: yes. Study: VKGL Data-share Consensus. Not counted in ClinVar's aggregate classification.

Literature cited by the submitters: PubMed 19863551 (cited by 4 submitters); PubMed 20716751 (cited by 4 submitters); PubMed 23299917 (cited by Women's Health and Genetics/Laboratory Corporation of America, LabCorp and Illumina Laboratory Services, Illumina); PubMed 24055113 (cited by Women's Health and Genetics/Laboratory Corporation of America, LabCorp); PubMed 25637381 (cited by Women's Health and Genetics/Laboratory Corporation of America, LabCorp); PubMed 25163546 (cited by Women's Health and Genetics/Laboratory Corporation of America, LabCorp); PubMed 26498160 (cited by Women's Health and Genetics/Laboratory Corporation of America, LabCorp); PubMed 28301460 (cited by Women's Health and Genetics/Laboratory Corporation of America, LabCorp); PubMed 29802319 (cited by Women's Health and Genetics/Laboratory Corporation of America, LabCorp); PubMed 30445427 (cited by Women's Health and Genetics/Laboratory Corporation of America, LabCorp); PubMed 20525856 (cited by 4 submitters).